The following is an entry in ClinVar:

ClinVar aggregate classification (germline): Uncertain significance (1 of 4 stars; one submission).

gnomAD v4.1: 1 of 1,594,474 alleles (0.000063%); highest among the groups gnomAD compares: Middle Eastern, 0.017%; no homozygotes.

Submission:

GeneDx
Classification: Uncertain significance. Last evaluated: 2025-01-15. Review status: criteria provided, single submitter. Criteria: GeneDx Variant Classification Process June 2021. Collection method: clinical testing. Allele origin: germline. Affected: yes.
Comment: Not observed at significant frequency in large population cohorts (gnomAD); In silico analysis indicates that this missense variant does not alter protein structure/function; In silico analysis is inconclusive as to whether the variant alters gene splicing. In the absence of RNA/functional studies, the actual effect of this sequence change is unknown.; Reported using an alternate transcript of the gene; Has not been previously published as pathogenic or benign to our knowledge

NM_080425.4(GNAS):c.1565C>T (p.Ala522Val)

Gene: GNAS (GNAS complex locus; plus strand). Cytogenetic location: 20q13.32.
Variant type: single nucleotide variant.
Coding change: c.1565C>T on transcript NM_080425.4 (MANE Plus Clinical); coding-DNA position 1565, C replaced by T.
Protein change: p.Ala522Val; replaces alanine 522 with valine.
Molecular consequence: missense variant. On other transcripts: intron variant (3).
Genome position (GRCh38, 1-based): chr20:58,854,830, C>T. VCF-style: chr20-58854830-C-T. GRCh37 (hg19) VCF-style: chr20-57429885-C-T.
Other names: c.1378C>T, p.Pro460Ser (NM_001077490.3, NM_001309883.1); c.1565C>T, p.Ala522Val (NM_001410913.1); c.*42+13944C>T (NM_016592.5); c.43+13944C>T (NM_001410912.1); c.-39+12955C>T (NM_001309861.2); short protein forms A522V, P460S.
Identifiers: ClinVar variation 4070807 (VCV004070807.1).